The following is an entry in ClinVar:

NM_005845.5(ABCC4):c.52C>A (p.Leu18Ile)

Gene: ABCC4 (ATP binding cassette subfamily C member 4 (PEL blood group); minus strand). Cytogenetic location: 13q32.1.
Variant type: single nucleotide variant.
Coding change: c.52C>A on transcript NM_005845.5 (MANE Select); coding-DNA position 52, C replaced by A.
Protein change: p.Leu18Ile; replaces leucine 18 with isoleucine.
Molecular consequence: missense variant.
Genome position (GRCh38, 1-based): chr13:95,301,263, G>T on the plus strand (C>A on the coding strand, the complement: ABCC4 is on the minus strand). VCF-style: chr13-95301263-G-T. GRCh37 (hg19) VCF-style: chr13-95953517-G-T.
Other names: p.Leu18Ile; c.52C>A, p.Leu18Ile (NM_001105515.3, NM_001301829.2, NM_001301830.2); short protein forms L18I.
Identifiers: ClinVar variation 4683827 (VCV004683827.1).

ClinVar aggregate classification (germline): Benign (1 of 4 stars; one submission).

gnomAD v4.1: 26,874 of 1,595,572 alleles (1.7%); highest among the groups gnomAD compares: Middle Eastern, 2.9%; 305 homozygotes.

Submission:

Mayo Clinic Laboratories, Mayo Clinic
Classification: Benign. Last evaluated: 2023-11-15. Review status: criteria provided, single submitter. Criteria: ACMG Guidelines, 2015. Collection method: clinical testing. Allele origin: germline. Observed: 19 variant alleles.
Comment: BS1, BS2, BP4